The following is an entry in ClinVar:

NM_206933.4(USH2A):c.7174G>T (p.Glu2392Ter)

Gene: USH2A (usherin; minus strand). Cytogenetic location: 1q41.
Variant type: single nucleotide variant.
Coding change: c.7174G>T on transcript NM_206933.4 (MANE Select); coding-DNA position 7174, G replaced by T.
Protein change: p.Glu2392Ter; replaces glutamic acid 2392 with a stop codon.
Molecular consequence: nonsense.
Genome position (GRCh38, 1-based): chr1:215,934,742, C>A on the plus strand (G>T on the coding strand, the complement: USH2A is on the minus strand). VCF-style: chr1-215934742-C-A. GRCh37 (hg19) VCF-style: chr1-216108084-C-A.
Other names: short protein forms E2392*.
Identifiers: ClinVar variation 1070220 (VCV001070220.7), dbSNP rs1192539262, ClinGen allele CA344857813.

ClinVar aggregate classification (germline): Pathogenic (1 of 4 stars; one submission).

Submission:

Labcorp Genetics (formerly Invitae), Labcorp
Classification: Pathogenic. Last evaluated: 2020-02-25. Review status: criteria provided, single submitter. Criteria: Invitae Variant Classification Sherloc (09022015). Collection method: clinical testing. Allele origin: germline.
Comment: This variant has not been reported in the literature in individuals with USH2A-related conditions. This variant is not present in population databases (ExAC no frequency). This sequence change creates a premature translational stop signal (p.Glu2392*) in the USH2A gene. It is expected to result in an absent or disrupted protein product. Loss-of-function variants in USH2A are known to be pathogenic (PMID: 10729113, 10909849, 20507924, 25649381). For these reasons, this variant has been classified as Pathogenic.

Literature cited by the submitters: PubMed 10729113; PubMed 10909849; PubMed 20507924; PubMed 25649381.